The following is an entry in ClinVar:

ClinVar aggregate classification (germline): Uncertain significance (1 of 4 stars; one submission).

Conditions:
Hereditary cancer-predisposing syndrome. Also called: Hereditary neoplastic syndrome; Neoplastic Syndromes, Hereditary; Tumor predisposition; Hereditary Cancer Syndrome. Identifiers: Orphanet 140162, MedGen C0027672, MeSH D009386, MONDO:0015356.

Submission:

Ambry Genetics
Classification: Uncertain significance for Hereditary cancer-predisposing syndrome. Last evaluated: 2025-08-27. Review status: criteria provided, single submitter. Criteria: Ambry Variant Classification Scheme 2023. Collection method: clinical testing. Allele origin: germline.
Comment: The p.Q314H variant (also known as c.942G>C), located in coding exon 11 of the MUTYH gene, results from a G to C substitution at nucleotide position 942. The glutamine at codon 314 is replaced by histidine, an amino acid with highly similar properties. This amino acid position is conserved. In addition, this alteration is predicted to be tolerated by in silico analysis. Based on the available evidence, the clinical significance of this variant remains unclear.

NM_001048174.2(MUTYH):c.858G>C (p.Gln286His)

Gene: MUTYH (mutY DNA glycosylase; minus strand). Cytogenetic location: 1p34.1.
Variant type: single nucleotide variant.
Coding change: c.858G>C on transcript NM_001048174.2 (MANE Select); coding-DNA position 858, G replaced by C.
Protein change: p.Gln286His; replaces glutamine 286 with histidine.
Molecular consequence: missense variant. On other transcripts: non-coding transcript variant (7).
Genome position (GRCh38, 1-based): chr1:45,332,078, C>G on the plus strand (G>C on the coding strand, the complement: MUTYH is on the minus strand). VCF-style: chr1-45332078-C-G. GRCh37 (hg19) VCF-style: chr1-45797750-C-G.
Other names: c.858G>C, p.Gln286His (NM_001407070.1, NM_001407072.1, NM_001407088.1 and 6 more transcripts); c.861G>C, p.Gln287His (NM_001407071.1, NM_001407086.1, NM_001048172.2 and 1 more transcripts); c.879G>C, p.Gln293His (NM_001407087.1); c.582G>C, p.Gln194His (NM_001407091.1, NM_001293192.2, NM_001293196.2); c.933G>C, p.Gln311His (NM_012222.3); c.513G>C, p.Gln171His (NM_001350650.2, NM_001350651.2, NM_001407082.1); c.891G>C, p.Gln297His (NM_001407069.1, NM_001293191.2, NM_001407077.1); c.942G>C, p.Gln314His (NM_001128425.2); and 5 more; short protein forms Q171H, Q258H, Q273H, Q300H, Q287H, Q293H, Q194H, Q301H.
Identifiers: ClinVar variation 4113927 (VCV004113927.1).